The following is an entry in ClinVar:

ClinVar aggregate classification (germline): Uncertain significance. Review status: criteria provided, multiple submitters, no conflicts (2 of 4 stars). 2 submissions from 2 submitters: Uncertain significance (2). Last evaluated 2024-12-16.

Conditions:
Inborn genetic diseases. Identifiers: MedGen C0950123, MeSH D030342.

Allele frequency attached by ClinVar (database versions not stated): gnomAD exomes below 0.00001; gnomAD 0.00001; TOPMed 0.00002.
gnomAD v4.1: 3 of 1,613,508 alleles (0.00019%); highest among the groups gnomAD compares: African/African-American, 0.0027%; no homozygotes.

Submissions (2):

Labcorp Genetics (formerly Invitae), Labcorp
Classification: Uncertain significance. Last evaluated: 2024-12-16. Review status: criteria provided, single submitter. Criteria: Invitae Variant Classification Sherloc (09022015). Collection method: clinical testing. Allele origin: germline.
Comment: This sequence change replaces glycine, which is neutral and non-polar, with alanine, which is neutral and non-polar, at codon 764 of the CLCN2 protein (p.Gly764Ala). This variant is not present in population databases (gnomAD no frequency). This variant has not been reported in the literature in individuals affected with CLCN2-related conditions. ClinVar contains an entry for this variant (Variation ID: 2147427). Invitae Evidence Modeling of protein sequence and biophysical properties (such as structural, functional, and spatial information, amino acid conservation, physicochemical variation, residue mobility, and thermodynamic stability) indicates that this missense variant is not expected to disrupt CLCN2 protein function with a negative predictive value of 80%. In summary, the available evidence is currently insufficient to determine the role of this variant in disease. Therefore, it has been classified as a Variant of Uncertain Significance.

Ambry Genetics
Classification: Uncertain significance for Inborn genetic diseases. Last evaluated: 2024-01-31. Review status: criteria provided, single submitter. Criteria: Ambry Variant Classification Scheme 2023. Collection method: clinical testing. Allele origin: germline.

NM_004366.6(CLCN2):c.2291G>C (p.Gly764Ala)

Gene: CLCN2 (chloride voltage-gated channel 2; minus strand). Cytogenetic location: 3q27.1.
Variant type: single nucleotide variant.
Coding change: c.2291G>C on transcript NM_004366.6 (MANE Select); coding-DNA position 2291, G replaced by C.
Protein change: p.Gly764Ala; replaces glycine 764 with alanine.
Molecular consequence: missense variant.
Genome position (GRCh38, 1-based): chr3:184,352,312, C>G on the plus strand (G>C on the coding strand, the complement: CLCN2 is on the minus strand). VCF-style: chr3-184352312-C-G. GRCh37 (hg19) VCF-style: chr3-184070100-C-G.
Other names: c.2291G>C (NM_004366.4); c.2240G>C, p.Gly747Ala (NM_001171087.3); c.2159G>C, p.Gly720Ala (NM_001171088.3); c.2291G>C, p.Gly764Ala (NM_001171089.3); short protein forms G747A, G720A, G764A.
Identifiers: ClinVar variation 2147427 (VCV002147427.5), dbSNP rs1237013650, ClinGen allele CA355447323.